The following is an entry in ClinVar:

NM_000093.5(COL5A1):c.4393-1G>A

Gene: COL5A1 (collagen type V alpha 1 chain; plus strand). Cytogenetic location: 9q34.3.
Variant type: single nucleotide variant.
Coding change: c.4393-1G>A on transcript NM_000093.5 (MANE Select); the canonical splice acceptor site of the intron before coding-DNA position 4393, G replaced by A.
Molecular consequence: splice acceptor variant.
Genome position (GRCh38, 1-based): chr9:134,818,999, G>A. VCF-style: chr9-134818999-G-A. GRCh37 (hg19) VCF-style: chr9-137710845-G-A.
Other names: c.4393-1G>A (NM_001278074.1).
Identifiers: ClinVar variation 2035009 (VCV002035009.4), dbSNP rs2490851746, ClinGen allele CA375457468.

ClinVar aggregate classification (germline): Likely pathogenic (1 of 4 stars; one submission).

Conditions:
Ehlers-Danlos syndrome, classic type, 1 (EDSCL1). Also called: EHLERS-DANLOS SYNDROME, GRAVIS TYPE; EHLERS-DANLOS SYNDROME, SEVERE CLASSIC TYPE; Ehlers-Danlos syndrome, type 1; EDS I; Ehlers-Danlos Syndrome, Classic Type, COL5A1-Related. Identifiers: MedGen C0268335, MONDO:0019567, OMIM 130000.

Submission:

Labcorp Genetics (formerly Invitae), Labcorp
Classification: Likely pathogenic for Ehlers-Danlos syndrome, classic type, 1. Last evaluated: 2022-10-10. Review status: criteria provided, single submitter. Criteria: Invitae Variant Classification Sherloc (09022015). Collection method: clinical testing. Allele origin: germline.
Comment: In summary, the currently available evidence indicates that the variant is pathogenic, but additional data are needed to prove that conclusively. Therefore, this variant has been classified as Likely Pathogenic. Algorithms developed to predict the effect of sequence changes on RNA splicing suggest that this variant may disrupt the consensus splice site. This variant has not been reported in the literature in individuals affected with COL5A1-related conditions. This variant is not present in population databases (gnomAD no frequency). This sequence change affects an acceptor splice site in intron 56 of the COL5A1 gene. It is expected to disrupt RNA splicing. Variants that disrupt the donor or acceptor splice site typically lead to a loss of protein function (PMID: 16199547), and loss-of-function variants in COL5A1 are known to be pathogenic (PMID: 23587214).

Literature cited by the submitters: PubMed 16199547; PubMed 23587214.